The following is an entry in ClinVar:

NM_000044.6(AR):c.1370_1371insTGGCGG (p.Gly473_Glu474insGlyGly)

Gene: AR (androgen receptor; plus strand). Cytogenetic location: Xq12.
Variant type: Insertion.
Coding change: c.1370_1371insTGGCGG on transcript NM_000044.6 (MANE Select); coding-DNA positions 1370 to 1371, TGGCGG inserted.
Protein change: p.Gly473_Glu474insGlyGly.
Molecular consequence: 5 prime UTR variant (on NM_001011645.3).
Genome position: GRCh38 VCF-style: chrX-67546514-T-TGGTGGC. GRCh37 (hg19) VCF-style: chrX-66766356-T-TGGTGGC.
Other names: c.-414_-413insTGGCGG (NM_001011645.3); c.1370_1371insTGGCGG, p.Gly473_Glu474insGlyGly (NM_001348061.1, NM_001348063.1, NM_001348064.1).
Identifiers: ClinVar variation 4084039 (VCV004084039.8).

ClinVar aggregate classification (germline): Likely benign (1 of 4 stars; one submission).

Submission:

CeGaT Center for Human Genetics Tuebingen
Classification: Likely benign. Last evaluated: 2025-10-01. Review status: criteria provided, single submitter. Criteria: CeGaT Center For Human Genetics Tuebingen Variant Classification Criteria Version 2. Collection method: clinical testing. Allele origin: germline. Affected: yes. Observed: 2 variant alleles.
Comment: AR: BP3, BS2